The following is an entry in ClinVar:

NM_080669.6(SLC46A1):c.736C>T (p.Arg246Cys)

Gene: SLC46A1 (solute carrier family 46 member 1; minus strand). Cytogenetic location: 17q11.2.
Variant type: single nucleotide variant.
Coding change: c.736C>T on transcript NM_080669.6 (MANE Select); coding-DNA position 736, C replaced by T.
Protein change: p.Arg246Cys; replaces arginine 246 with cysteine.
Molecular consequence: missense variant.
Genome position (GRCh38, 1-based): chr17:28,404,961, G>A on the plus strand (C>T on the coding strand, the complement: SLC46A1 is on the minus strand). VCF-style: chr17-28404961-G-A. GRCh37 (hg19) VCF-style: chr17-26731979-G-A.
Other names: c.736C>T, p.Arg246Cys (NM_001242366.3); c.736C>T (NM_080669.4); short protein forms R246C.
Identifiers: ClinVar variation 2065608 (VCV002065608.3), dbSNP rs370673122, ClinGen allele CA8458285.
Genomic context (GRCh38, chr17:28,404,961, plus strand): 5'-GTTTCCTGGACTTCTCTGGGGCGGGAGCCACATAGAGCTGGACAATGGATCGGTGGTGAC[G>A]GAACGTGAAGAGCCGGGTGGACTTTGGCTCCTTTAAGGTCTCACCAAAGCAGAAAGCTGC-3'
Protein context (NP_542400.2, residues 236-256): EPKSTRLFTF[Arg246Cys]HHRSIVQLYV

ClinVar aggregate classification (germline): Uncertain significance. Review status: criteria provided, multiple submitters, no conflicts (2 of 4 stars). 2 submissions from 2 submitters: Uncertain significance (2). Last evaluated 2024-10-09.

Conditions:
Inborn genetic diseases. Identifiers: MedGen C0950123, MeSH D030342.

Allele frequency attached by ClinVar (database versions not stated): gnomAD 0.00015; ESP Exome Variant Server 0.00016; TOPMed 0.00016.
gnomAD v4.1: 48 of 1,613,924 alleles (0.003%); highest among the groups gnomAD compares: African/African-American, 0.051%; no homozygotes.

Submissions (2):

Ambry Genetics
Classification: Uncertain significance for Inborn genetic diseases. Last evaluated: 2024-10-09. Review status: criteria provided, single submitter. Criteria: Ambry Variant Classification Scheme 2023. Collection method: clinical testing. Allele origin: germline.

Labcorp Genetics (formerly Invitae), Labcorp
Classification: Uncertain significance. Last evaluated: 2023-12-11. Review status: criteria provided, single submitter. Criteria: Invitae Variant Classification Sherloc (09022015). Collection method: clinical testing. Allele origin: germline.
Comment: This sequence change replaces arginine, which is basic and polar, with cysteine, which is neutral and slightly polar, at codon 246 of the SLC46A1 protein (p.Arg246Cys). This variant is present in population databases (rs370673122, gnomAD 0.04%). This variant has not been reported in the literature in individuals affected with SLC46A1-related conditions. ClinVar contains an entry for this variant (Variation ID: 2065608). Advanced modeling of protein sequence and biophysical properties (such as structural, functional, and spatial information, amino acid conservation, physicochemical variation, residue mobility, and thermodynamic stability) has been performed at Invitae for this missense variant, however the output from this modeling did not meet the statistical confidence thresholds required to predict the impact of this variant on SLC46A1 protein function. In summary, the available evidence is currently insufficient to determine the role of this variant in disease. Therefore, it has been classified as a Variant of Uncertain Significance.